The following is an entry in ClinVar:

ClinVar aggregate classification (germline): Benign/Likely benign. Review status: criteria provided, multiple submitters, no conflicts (2 of 4 stars). 5 submissions from 5 submitters: Benign (3); Likely benign (1). 1 of the submissions does not count toward it. Last evaluated 2026-01-19.

Conditions:
Vesicoureteral reflux 2 (VUR2). Identifiers: Orphanet 289365, MedGen C1970483, MONDO:0012573, OMIM 610878.
ROBO2-related disorder. Also called: ROBO2-related condition.

Allele frequency attached by ClinVar (database versions not stated): gnomAD exomes 0.00027 and 0.00080; ExAC 0.00096; gnomAD 0.00260 and 0.00278; TOPMed 0.00296; ESP Exome Variant Server 0.00323; 1000 Genomes Project 0.00419; 1000 Genomes Project 30x 0.00547.
gnomAD v4.1: 839 of 1,613,392 alleles (0.052%); highest among the groups gnomAD compares: African/African-American, 0.88%; 8 homozygotes.

Submissions (5):

Labcorp Genetics (formerly Invitae), Labcorp
Classification: Benign. Last evaluated: 2026-01-19. Review status: criteria provided, single submitter. Criteria: Invitae Variant Classification Sherloc (09022015). Collection method: clinical testing. Allele origin: germline.

Mayo Clinic Laboratories, Mayo Clinic
Classification: Likely benign. Last evaluated: 2025-08-15. Review status: criteria provided, single submitter. Criteria: ACMG Guidelines, 2015. Collection method: clinical testing. Allele origin: germline. Observed: 2 variant alleles.
Comment: BS1, BP4

Illumina Laboratory Services, Illumina
Classification: Benign for Vesicoureteral reflux 2. Last evaluated: 2018-01-12. Review status: criteria provided, single submitter. Criteria: ICSL Variant Classification Criteria 13 December 2019. Collection method: clinical testing. Allele origin: germline.
Comment: This variant was observed in the ICSL laboratory as part of a predisposition screen in an ostensibly healthy population. It had not been previously curated by ICSL or reported in the Human Gene Mutation Database (HGMD: prior to June 1st, 2018), and was therefore a candidate for classification through an automated scoring system. Utilizing variant allele frequency, disease prevalence and penetrance estimates, and inheritance mode, an automated score was calculated to assess if this variant is too frequent to cause the disease. Based on the score and internal cut-off values, a variant classified as benign is not then subjected to further curation. The score for this variant resulted in a classification of benign for this disease.

Breakthrough Genomics
Classification: Benign. Review status: criteria provided, single submitter. Criteria: ACMG Guidelines, 2015. Collection method: not provided. Allele origin: germline. Inheritance: Autosomal dominant inheritance. Affected: yes.

PreventionGenetics, part of Exact Sciences
Classification: Benign for ROBO2-related condition. Last evaluated: 2024-06-14. Review status: no assertion criteria provided. Collection method: clinical testing. Allele origin: germline. Not counted in ClinVar's aggregate classification.
Comment: This variant is classified as benign based on ACMG/AMP sequence variant interpretation guidelines (Richards et al. 2015 PMID: 25741868, with internal and published modifications).

NM_001395656.1(ROBO2):c.2086C>T (p.Pro696Ser)

Genes: ROBO2 (roundabout guidance receptor 2; plus strand), LOC126806727 (BRD4-independent group 4 enhancer GRCh37_chr3:77623115-77624314; plus strand). Cytogenetic location: 3p12.3.
Variant type: single nucleotide variant.
Coding change: c.2086C>T on transcript NM_001395656.1 (MANE Select); coding-DNA position 2086, C replaced by T.
Protein change: p.Pro696Ser; replaces proline 696 with serine.
Molecular consequence: missense variant.
Genome position (GRCh38, 1-based): chr3:77,574,601, C>T. VCF-style: chr3-77574601-C-T. GRCh37 (hg19) VCF-style: chr3-77623752-C-T.
Other names: p.Pro692Ser; c.2122C>T, p.Pro708Ser (NM_001128929.3); c.2086C>T, p.Pro696Ser (NM_001290039.2, NM_001290040.2, NM_001378202.1); c.295C>T, p.Pro99Ser (NM_001290065.2); c.2134C>T, p.Pro712Ser (NM_001378190.1, NM_001378191.1, NM_001378195.1 and 4 more transcripts); c.2155C>T, p.Pro719Ser (NM_001378192.1, NM_001378194.1, NM_001378198.1 and 2 more transcripts); c.2074C>T, p.Pro692Ser (NM_001378193.1, NM_001378197.1, NM_002942.5); c.2143C>T, p.Pro715Ser (NM_001394212.1, NM_001394214.1, NM_001395657.1); short protein forms P692S, P708S, P696S, P99S, P712S, P715S, P719S.
Identifiers: ClinVar variation 346697 (VCV000346697.17), dbSNP rs187796411, ClinGen allele CA2497232.